The following is an entry in ClinVar:

ClinVar aggregate classification (germline): Uncertain significance. Review status: criteria provided, multiple submitters, no conflicts (2 of 4 stars). 3 submissions from 3 submitters: Uncertain significance (3). Last evaluated 2023-01-12.

Conditions:
Hereditary cancer-predisposing syndrome. Also called: Hereditary neoplastic syndrome; Neoplastic Syndromes, Hereditary; Tumor predisposition; Hereditary Cancer Syndrome. Identifiers: Orphanet 140162, MedGen C0027672, MeSH D009386, MONDO:0015356.
Microcephaly, normal intelligence and immunodeficiency (NBS). Also called: IMMUNODEFICIENCY, MICROCEPHALY, AND CHROMOSOMAL INSTABILITY; SEEMANOVA SYNDROME II; Nijmegen breakage syndrome; Microcephaly with normal intelligence immunodeficiency and lymphoreticular malignancies; Nonsyndromal microcephaly autosomal recessive with normal intelligence; Seemanova syndrome 2. Identifiers: Orphanet 647, MedGen C0398791, MONDO:0009623, OMIM 251260.

Submissions (3):

Quest Diagnostics Nichols Institute San Juan Capistrano
Classification: Uncertain significance. Last evaluated: 2023-01-12. Review status: criteria provided, single submitter. Criteria: Quest Diagnostics criteria. Collection method: clinical testing. Allele origin: unknown.
Comment: The variant has not been reported in the published literature. It also has not been reported in large, multi-ethnic general populations. Analysis of this variant using bioinformatics tools for the prediction of the effect of amino acid changes on protein structure and function yielded predictions that this variant is benign. Based on the available information, we are unable to determine the clinical significance of this variant.

Ambry Genetics
Classification: Uncertain significance for Hereditary cancer-predisposing syndrome. Last evaluated: 2019-11-01. Review status: criteria provided, single submitter. Criteria: Ambry Variant Classification Scheme 2023. Collection method: clinical testing. Allele origin: germline.
Comment: The p.I305L variant (also known as c.913A>C), located in coding exon 8 of the NBN gene, results from an A to C substitution at nucleotide position 913. The isoleucine at codon 305 is replaced by leucine, an amino acid with highly similar properties. This amino acid position is highly conserved in available vertebrate species. In addition, the in silico prediction for this alteration is inconclusive. Since supporting evidence is limited at this time, the clinical significance of this alteration remains unclear.

Labcorp Genetics (formerly Invitae), Labcorp
Classification: Uncertain significance for Microcephaly, normal intelligence and immunodeficiency. Last evaluated: 2017-07-20. Review status: criteria provided, single submitter. Criteria: Invitae Variant Classification Sherloc (09022015). Collection method: clinical testing. Allele origin: germline.
Comment: In summary, the available evidence is currently insufficient to determine the role of this variant in disease. Therefore, it has been classified as a Variant of Uncertain Significance. Algorithms developed to predict the effect of missense changes on protein structure and function do not agree on the potential impact of this missense change (SIFT: "Tolerated"; PolyPhen-2: "Possibly Damaging"; Align-GVGD: "Class C0"). This variant has not been reported in the literature in individuals with NBN-related disease. This variant is not present in population databases (ExAC no frequency). This sequence change replaces isoleucine with leucine at codon 305 of the NBN protein (p.Ile305Leu). The isoleucine residue is highly conserved and there is a small physicochemical difference between isoleucine and leucine.

NM_002485.5(NBN):c.913A>C (p.Ile305Leu)

Gene: NBN (nibrin; minus strand). Cytogenetic location: 8q21.3.
Variant type: single nucleotide variant.
Coding change: c.913A>C on transcript NM_002485.5 (MANE Select); coding-DNA position 913, A replaced by C.
Protein change: p.Ile305Leu; replaces isoleucine 305 with leucine.
Molecular consequence: missense variant.
Genome position (GRCh38, 1-based): chr8:89,964,491, T>G on the plus strand (A>C on the coding strand, the complement: NBN is on the minus strand). VCF-style: chr8-89964491-T-G. GRCh37 (hg19) VCF-style: chr8-90976719-T-G.
Other names: c.667A>C, p.Ile223Leu (NM_001024688.3); short protein forms I305L, I223L.
Identifiers: ClinVar variation 461587 (VCV000461587.12), dbSNP rs1554562189, ClinGen allele CA371657117.